The following is an entry in ClinVar:

NM_018557.3(LRP1B):c.1105A>G (p.Thr369Ala)

Gene: LRP1B (LDL receptor related protein 1B; minus strand). Cytogenetic location: 2q22.1.
Variant type: single nucleotide variant.
Coding change: c.1105A>G on transcript NM_018557.3 (MANE Select); coding-DNA position 1105, A replaced by G.
Protein change: p.Thr369Ala; replaces threonine 369 with alanine.
Molecular consequence: missense variant.
Genome position (GRCh38, 1-based): chr2:141,062,182, T>C on the plus strand (A>G on the coding strand, the complement: LRP1B is on the minus strand). VCF-style: chr2-141062182-T-C. GRCh37 (hg19) VCF-style: chr2-141819751-T-C.
Other names: short protein forms T369A.
Identifiers: ClinVar variation 2320100 (VCV002320100.17), dbSNP rs138996626, ClinGen allele CA1896095.

ClinVar aggregate classification (germline): Conflicting classifications of pathogenicity. Review status: criteria provided, conflicting classifications (1 of 4 stars). 3 submissions from 3 submitters: Uncertain significance (1); Likely benign (1). 1 of the submissions does not count toward it. Last evaluated 2025-01-01.

Conditions:
LRP1B-related disorder. Also called: LRP1B-related condition.

Allele frequency attached by ClinVar (database versions not stated): 1000 Genomes Project 30x 0.00016; 1000 Genomes Project 0.00020; TOPMed 0.00059; ExAC 0.00062; gnomAD 0.00064; ESP Exome Variant Server 0.00077; gnomAD exomes 0.00108.
gnomAD v4.1: 1,649 of 1,611,978 alleles (0.1%); highest among the groups gnomAD compares: Non-Finnish European, 0.13%; 4 homozygotes.

Submissions (3):

CeGaT Center for Human Genetics Tuebingen
Classification: Likely benign. Last evaluated: 2025-01-01. Review status: criteria provided, single submitter. Criteria: CeGaT Center For Human Genetics Tuebingen Variant Classification Criteria Version 2. Collection method: clinical testing. Allele origin: germline. Affected: yes. Observed: 1 variant allele.
Comment: LRP1B: BP4

Ambry Genetics
Classification: Uncertain significance. Last evaluated: 2024-01-16. Review status: criteria provided, single submitter. Criteria: Ambry Variant Classification Scheme 2023. Collection method: clinical testing. Allele origin: germline.

PreventionGenetics, part of Exact Sciences
Classification: Likely benign for LRP1B-related condition. Last evaluated: 2019-03-15. Review status: no assertion criteria provided. Collection method: clinical testing. Allele origin: germline. Not counted in ClinVar's aggregate classification.
Comment: This variant is classified as likely benign based on ACMG/AMP sequence variant interpretation guidelines (Richards et al. 2015 PMID: 25741868, with internal and published modifications).